The following is an entry in ClinVar:

ClinVar aggregate classification (germline): Pathogenic/Likely pathogenic. Review status: criteria provided, multiple submitters, no conflicts (2 of 4 stars). 3 submissions from 3 submitters: Pathogenic (1); Likely pathogenic (1). 1 of the submissions does not count toward it. Last evaluated 2025-11-19.

Conditions:
Mucopolysaccharidosis, MPS-III-B (MPS3B). Also called: N-ACETYL-ALPHA-D-GLUCOSAMINIDASE DEFICIENCY; NAGLU DEFICIENCY; MPS III B; MUCOPOLYSACCHARIDOSIS, TYPE IIIB; SANFILIPPO SYNDROME B; MPS IIIB (Sanfilippo Syndrome Type B). Identifiers: Orphanet 79270, MedGen C0086648, MONDO:0009656, OMIM 252920.
Charcot-Marie-Tooth disease axonal type 2V. Also called: CHARCOT-MARIE-TOOTH NEUROPATHY, TYPE 2V; CHARCOT-MARIE-TOOTH DISEASE, AXONAL, AUTOSOMAL DOMINANT, TYPE 2V. Identifiers: Orphanet 447964, MedGen C5569050, MONDO:0014665, OMIM 616491.

gnomAD v4.1: 2 of 1,609,462 alleles (0.00012%); highest among the groups gnomAD compares: Non-Finnish European, 0.00017%; no homozygotes.

Submissions (3):

Natera, Inc.
Classification: Likely pathogenic for Mucopolysaccharidosis type IIIB. Last evaluated: 2025-11-19. Review status: criteria provided, single submitter. Criteria: Natera Variant Classification Schema (03/2026). Collection method: clinical testing. Allele origin: germline.
Comment: The c.1946G>T variant in NAGLU is a missense variant predicted to cause substitution of tryptophan to leucine at amino acid 649. This variant is rare in the general population with a frequency below the threshold expected for the associated phenotype(s). This variant has been observed in one or more individuals affected with the associated recessive disease, as either homozygous or compound heterozygous with a second variant (PMID: 35848209). Additionally, this variant has been observed to segregate in affected family members (PMID: 35848209). Computational prediction algorithms indicate this variant is likely to affect gene or protein function. Given the available evidence, this variant is classified as Likely Pathogenic.

Labcorp Genetics (formerly Invitae), Labcorp
Classification: Pathogenic for Charcot-Marie-Tooth disease axonal type 2V; Mucopolysaccharidosis, MPS-III-B. Last evaluated: 2022-01-13. Review status: criteria provided, single submitter. Criteria: Invitae Variant Classification Sherloc (09022015). Collection method: clinical testing. Allele origin: germline.
Comment: This variant disrupts the p.Trp649 amino acid residue in NAGLU. Other variant(s) that disrupt this residue have been observed in individuals with NAGLU-related conditions (PMID: 11153910), which suggests that this may be a clinically significant amino acid residue. ClinVar contains an entry for this variant (Variation ID: 143187). Advanced modeling of protein sequence and biophysical properties (such as structural, functional, and spatial information, amino acid conservation, physicochemical variation, residue mobility, and thermodynamic stability) performed at Invitae indicates that this missense variant is expected to disrupt NAGLU protein function. This missense change has been observed in individual(s) with mucopolysaccharidosis type III (PMID: 23661660). In at least one individual the data is consistent with being in trans (on the opposite chromosome) from a pathogenic variant. It has also been observed to segregate with disease in related individuals. For these reasons, this variant has been classified as Pathogenic. This sequence change replaces tryptophan, which is neutral and slightly polar, with leucine, which is neutral and non-polar, at codon 649 of the NAGLU protein (p.Trp649Leu). The frequency data for this variant in the population databases is considered unreliable, as metrics indicate poor data quality at this position in the gnomAD database.

Undiagnosed Diseases Program Translational Research Laboratory, National Institutes of Health
Classification: Pathogenic for Mucopolysaccharidosis, MPS-III-B. Review status: no assertion criteria provided. Collection method: not provided. Allele origin: inherited. Not counted in ClinVar's aggregate classification.
ClinVar note: Converted during submission from pathogenic to Pathogenic.

Literature cited by the submitters: PubMed 35848209 (cited by Natera, Inc.); PubMed 11153910 (cited by Labcorp Genetics (formerly Invitae), Labcorp); PubMed 23661660 (cited by Labcorp Genetics (formerly Invitae), Labcorp).

NM_000263.4(NAGLU):c.1946G>T (p.Trp649Leu)

Gene: NAGLU (N-acetyl-alpha-glucosaminidase; plus strand). Cytogenetic location: 17q21.2.
Variant type: single nucleotide variant.
Coding change: c.1946G>T on transcript NM_000263.4 (MANE Select); coding-DNA position 1946, G replaced by T.
Protein change: p.Trp649Leu; replaces tryptophan 649 with leucine.
Molecular consequence: missense variant.
Genome position (GRCh38, 1-based): chr17:42,543,952, G>T. VCF-style: chr17-42543952-G-T. GRCh37 (hg19) VCF-style: chr17-40695970-G-T.
Other names: short protein forms W649L.
Identifiers: ClinVar variation 143187 (VCV000143187.11), dbSNP rs527236038, ClinGen allele CA170085.